The following is an entry in ClinVar:

NM_007212.4(RNF2):c.22A>T (p.Asn8Tyr)

Gene: RNF2 (ring finger protein 2; plus strand). Cytogenetic location: 1q25.3.
Variant type: single nucleotide variant.
Coding change: c.22A>T on transcript NM_007212.4 (MANE Select); coding-DNA position 22, A replaced by T.
Protein change: p.Asn8Tyr; replaces asparagine 8 with tyrosine.
Molecular consequence: missense variant.
Genome position (GRCh38, 1-based): chr1:185,087,575, A>T. VCF-style: chr1-185087575-A-T. GRCh37 (hg19) VCF-style: chr1-185056707-A-T.
Other names: short protein forms N8Y.
Identifiers: ClinVar variation 3314823 (VCV003314823.2).

ClinVar aggregate classification (germline): Uncertain significance. Review status: criteria provided, multiple submitters, no conflicts (2 of 4 stars). 2 submissions from 2 submitters: Uncertain significance (2). Last evaluated 2026-03-12.

gnomAD v4.1: 10 of 1,614,086 alleles (0.00062%); highest among the groups gnomAD compares: Admixed American, 0.013%; no homozygotes.

Submissions (2):

Women's Health and Genetics/Laboratory Corporation of America, LabCorp
Classification: Uncertain significance. Last evaluated: 2026-03-12. Review status: criteria provided, single submitter. Criteria: LabCorp Variant Classification Summary - May 2015. Collection method: clinical testing. Allele origin: germline.
Comment: Variant summary: RNF2 c.22A>T (p.Asn8Tyr) results in a non-conservative amino acid change in the encoded protein sequence. Algorithms developed to predict the effect of missense changes on protein structure and function are either unavailable or do not agree on the potential impact of this missense change. The variant allele was found at a frequency of 2.4e-05 in 251374 control chromosomes. The available data on variant occurrences in the general population are insufficient to allow any conclusion about variant significance. To our knowledge, no occurrence of c.22A>T in individuals affected with RNF2-related conditions and no experimental evidence demonstrating its impact on protein function have been reported. ClinVar contains an entry for this variant (Variation ID: 3314823). Based on the evidence outlined above, the variant was classified as uncertain significance.

Ambry Genetics
Classification: Uncertain significance. Last evaluated: 2024-06-17. Review status: criteria provided, single submitter. Criteria: Ambry Variant Classification Scheme 2023. Collection method: clinical testing. Allele origin: germline.